The following is an entry in ClinVar:

NM_030962.4(SBF2):c.1244G>T (p.Gly415Val)

Gene: SBF2 (SET binding factor 2; minus strand). Cytogenetic location: 11p15.4.
Variant type: single nucleotide variant.
Coding change: c.1244G>T on transcript NM_030962.4 (MANE Select); coding-DNA position 1244, G replaced by T.
Protein change: p.Gly415Val; replaces glycine 415 with valine.
Molecular consequence: missense variant. On other transcripts: intron variant (1).
Genome position (GRCh38, 1-based): chr11:9,992,467, C>A on the plus strand (G>T on the coding strand, the complement: SBF2 is on the minus strand). VCF-style: chr11-9992467-C-A. GRCh37 (hg19) VCF-style: chr11-10014014-C-A.
Other names: c.1244G>T, p.Gly415Val (NM_001386339.1); c.1167+523G>T (NM_001386342.1); short protein forms G415V.
Identifiers: ClinVar variation 916838 (VCV000916838.3), dbSNP rs996602317, ClinGen allele CA217649613.

ClinVar aggregate classification (germline): Uncertain significance. Review status: criteria provided, multiple submitters, no conflicts (2 of 4 stars). 2 submissions from 2 submitters: Uncertain significance (2). Last evaluated 2022-03-24.

Conditions:
Charcot-Marie-Tooth disease. Also called: Charcot-Marie-Tooth Hereditary Neuropathy; Charcot-Marie-Tooth Neuropathy. Identifiers: Orphanet 166, MedGen C0007959, MONDO:0015626.
Inborn genetic diseases. Identifiers: MedGen C0950123, MeSH D030342.

Allele frequency attached by ClinVar (database versions not stated): gnomAD 0.00001; gnomAD exomes 0.00001 and 0.00002; TOPMed 0.00002.
gnomAD v4.1: 33 of 1,613,054 alleles (0.002%); highest among the groups gnomAD compares: African/African-American, 0.004%; no homozygotes.

Submissions (2):

Ambry Genetics
Classification: Uncertain significance for Inborn genetic diseases. Last evaluated: 2022-03-24. Review status: criteria provided, single submitter. Criteria: Ambry Variant Classification Scheme 2023. Collection method: clinical testing. Allele origin: germline.
Comment: The p.G415V variant (also known as c.1244G>T), located in coding exon 12 of the SBF2 gene, results from a G to T substitution at nucleotide position 1244. The glycine at codon 415 is replaced by valine, an amino acid with dissimilar properties. This amino acid position is highly conserved in available vertebrate species. In addition, the in silico prediction for this alteration is inconclusive. Since supporting evidence is limited at this time, the clinical significance of this alteration remains unclear.

Molecular Genetics Laboratory, London Health Sciences Centre
Classification: Uncertain significance for Charcot-Marie-Tooth disease. Review status: criteria provided, single submitter. Criteria: ACMG Guidelines, 2015. Collection method: clinical testing. Allele origin: germline. Affected: yes.